The following is an entry in ClinVar:

ClinVar aggregate classification (germline): Conflicting classifications of pathogenicity. Review status: criteria provided, conflicting classifications (1 of 4 stars). 3 submissions from 3 submitters: Uncertain significance (2); Benign (1). Last evaluated 2025-08-18.

Conditions:
Hereditary cancer-predisposing syndrome. Also called: Neoplastic Syndromes, Hereditary; Hereditary Cancer Syndrome; Tumor predisposition; Hereditary neoplastic syndrome. Identifiers: Orphanet 140162, MedGen C0027672, MeSH D009386, MONDO:0015356.
Familial adenomatous polyposis 2. Also called: COLORECTAL ADENOMATOUS POLYPOSIS, AUTOSOMAL RECESSIVE; ADENOMAS, MULTIPLE COLORECTAL, AUTOSOMAL RECESSIVE; MUTYH-associated polyposis; MUTYH-related attenuated familial adenomatous polyposis; MUTYH Polyposis; Adenomas, multiple colorectal. Identifiers: Orphanet 220460, Orphanet 247798, MedGen C3272841, MONDO:0012041, OMIM 608456.

Allele frequency attached by ClinVar (database versions not stated): gnomAD exomes below 0.00001.
gnomAD v4.1: 1 of 1,610,774 alleles (0.000062%); highest among the groups gnomAD compares: Non-Finnish European, 0.000085%; no homozygotes.

Submissions (3):

Ambry Genetics
Classification: Benign for Hereditary cancer-predisposing syndrome. Last evaluated: 2025-08-18. Review status: criteria provided, single submitter. Criteria: Ambry Variant Classification Scheme 2023. Collection method: clinical testing. Allele origin: germline.

Labcorp Genetics (formerly Invitae), Labcorp
Classification: Uncertain significance for Familial adenomatous polyposis 2. Last evaluated: 2024-07-19. Review status: criteria provided, single submitter. Criteria: Invitae Variant Classification Sherloc (09022015). Collection method: clinical testing. Allele origin: germline.
Comment: This sequence change replaces glutamic acid, which is acidic and polar, with aspartic acid, which is acidic and polar, at codon 347 of the MUTYH protein (p.Glu347Asp). This variant is not present in population databases (gnomAD no frequency). This variant has not been reported in the literature in individuals affected with MUTYH-related conditions. ClinVar contains an entry for this variant (Variation ID: 630522). An algorithm developed to predict the effect of missense changes on protein structure and function (PolyPhen-2) suggests that this variant is likely to be tolerated. In summary, the available evidence is currently insufficient to determine the role of this variant in disease. Therefore, it has been classified as a Variant of Uncertain Significance.

Color Diagnostics, LLC DBA Color Health
Classification: Uncertain significance for Hereditary cancer-predisposing syndrome. Last evaluated: 2023-03-07. Review status: criteria provided, single submitter. Criteria: ACMG Guidelines, 2015. Collection method: clinical testing. Allele origin: germline.
Comment: This missense variant replaces glutamic acid with aspartic acid at codon 347 of the MUTYH protein. Computational prediction suggests that this variant may not impact protein structure and function (internally defined REVEL score threshold <= 0.5, PMID: 27666373). To our knowledge, functional studies have not been reported for this variant. This variant has not been reported in individuals affected with hereditary cancer in the literature. This variant has not been identified in the general population by the Genome Aggregation Database (gnomAD). The available evidence is insufficient to determine the role of this variant in disease conclusively. Therefore, this variant is classified as a Variant of Uncertain Significance.

Literature cited by the submitters: PubMed 40738107 (cited by Ambry Genetics).

NM_001048174.2(MUTYH):c.957G>T (p.Glu319Asp)

Gene: MUTYH (mutY DNA glycosylase; minus strand). Cytogenetic location: 1p34.1.
Variant type: single nucleotide variant.
Coding change: c.957G>T on transcript NM_001048174.2 (MANE Select); coding-DNA position 957, G replaced by T.
Protein change: p.Glu319Asp; replaces glutamic acid 319 with aspartic acid.
Molecular consequence: missense variant. On other transcripts: non-coding transcript variant (2).
Genome position (GRCh38, 1-based): chr1:45,331,806, C>A on the plus strand (G>T on the coding strand, the complement: MUTYH is on the minus strand). VCF-style: chr1-45331806-C-A. GRCh37 (hg19) VCF-style: chr1-45797478-C-A.
Other names: c.957G>T, p.Glu319Asp (NM_001048171.2, NM_001048173.2, NM_001293195.2); c.960G>T, p.Glu320Asp (NM_001048172.2); c.1041G>T, p.Glu347Asp (NM_001128425.2); c.1002G>T, p.Glu334Asp (NM_001293190.2); c.990G>T, p.Glu330Asp (NM_001293191.2); c.681G>T, p.Glu227Asp (NM_001293192.2, NM_001293196.2); c.612G>T, p.Glu204Asp (NM_001350650.2, NM_001350651.2); c.1032G>T, p.Glu344Asp (NM_012222.3); short protein forms E347D, E204D, E320D, E330D, E334D, E344D, E227D, E319D.
Identifiers: ClinVar variation 630522 (VCV000630522.10), dbSNP rs1557465450, ClinGen allele CA340133789.